The following is an entry in ClinVar:

ClinVar aggregate classification (germline): Pathogenic. Review status: reviewed by expert panel (3 of 4 stars). 7 submissions from 6 submitters: Pathogenic (1). 6 of the submissions do not count toward it. Last evaluated 2016-10-18.

Conditions:
Familial cancer of breast. Also called: Hereditary breast cancer; BREAST CANCER, FAMILIAL; hereditary breast carcinoma. Identifiers: Orphanet 227535, MedGen C0346153, MONDO:0016419, OMIM 114480. Disease mechanism: loss of function.
Pancreatic cancer, susceptibility to, 2. Identifiers: Orphanet 1333, MedGen C3150546, MONDO:0013235, OMIM 613347.
Breast-ovarian cancer, familial, susceptibility to, 2 (BROVCA2). Also called: BRCA2 Hereditary Breast and Ovarian Cancer. Identifiers: Orphanet 145, MedGen C2675520, MONDO:0012933, OMIM 612555. Disease mechanism: loss of function.

Submissions (7):

Evidence-based Network for the Interpretation of Germline Mutant Alleles (ENIGMA)
Classification: Pathogenic for Breast-ovarian cancer, familial, susceptibility to, 2. Last evaluated: 2016-10-18. Review status: reviewed by expert panel. Criteria: ENIGMA BRCA1/2 Classification Criteria (2015). Collection method: curation. Allele origin: germline.
Comment: Variant allele predicted to encode a truncated non-functional protein.

Department of Human Genetics, Hannover Medical School
Classification: Pathogenic for Pancreatic cancer, susceptibility to, 2. Last evaluated: 2024-06-10. Review status: criteria provided, single submitter. Criteria: ACMG Guidelines, 2015. Collection method: clinical testing. Allele origin: germline. Inheritance: Autosomal dominant inheritance. Affected: yes. Not counted in ClinVar's aggregate classification.

Institute of Human Genetics, University of Leipzig Medical Center
Classification: Pathogenic for Breast-ovarian cancer, familial, susceptibility to, 2. Last evaluated: 2023-06-12. Review status: criteria provided, single submitter. Criteria: ACMG Guidelines, 2015. Collection method: clinical testing. Allele origin: maternal. Inheritance: Autosomal dominant inheritance. Affected: yes. Not counted in ClinVar's aggregate classification.
Comment: Criteria applied: PVS1,PS4_MOD,PM2_SUP

Institute for Clinical Genetics, University Hospital TU Dresden, University Hospital TU Dresden
Classification: Pathogenic. Last evaluated: 2021-11-03. Review status: criteria provided, single submitter. Criteria: ACMG Guidelines, 2015. Collection method: clinical testing. Allele origin: germline. Not counted in ClinVar's aggregate classification.

Institute of Human Genetics, University of Leipzig Medical Center
Classification: Pathogenic for Familial cancer of breast. Last evaluated: 2019-01-01. Review status: criteria provided, single submitter. Criteria: ACMG Guidelines, 2015. Collection method: clinical testing. Allele origin: unknown. Affected: yes. Not counted in ClinVar's aggregate classification.

Consortium of Investigators of Modifiers of BRCA1/2 (CIMBA), c/o University of Cambridge
Classification: Pathogenic for Breast-ovarian cancer, familial, susceptibility to, 2. Last evaluated: 2015-10-02. Review status: criteria provided, single submitter. Criteria: CIMBA Mutation Classification guidelines May 2016. Collection method: clinical testing. Allele origin: germline. Not counted in ClinVar's aggregate classification.

Bioscientia Institut fuer Medizinische Diagnostik GmbH, Sonic Healthcare
Classification: Likely pathogenic for Familial cancer of breast. Review status: no assertion criteria provided. Collection method: clinical testing. Allele origin: germline. Affected: yes. Not counted in ClinVar's aggregate classification.

NM_000059.4(BRCA2):c.3739del (p.Ile1247fs)

Gene: BRCA2 (BRCA2 DNA repair associated; plus strand). Cytogenetic location: 13q13.1.
Variant type: Deletion.
Coding change: c.3739del on transcript NM_000059.4 (MANE Select); coding-DNA position 3739, one base deleted (A; older notation c.3739delA).
Protein change: p.Ile1247fs; shifts the reading frame from isoleucine 1247.
Molecular consequence: frameshift variant.
Genome position (GRCh38, 1-based): chr13:32,338,094, A deleted. VCF-style (leftmost placement, unchanged base first): chr13-32338093-TA-T. GRCh37 (hg19) VCF-style: chr13-32912230-TA-T.
Other names: 3967delA; c.3739delA (NM_000059.3).
Identifiers: ClinVar variation 266770 (VCV000266770.14), dbSNP rs886040494, ClinGen allele CA10589220.
Genomic context (GRCh38, chr13:32,338,093, plus strand): 5'-ACTGAATGTTTCTACTGAAGCTCTGCAAAAAGCTGTGAAACTGTTTAGTGATATTGAGAA[TA>T]TTAGTGAGGAAACTTCTGCAGAGGTACATCCAATAAGTTTATCTTCAAGTAAATGTCATG-3'